The following is an entry in ClinVar:

ClinVar aggregate classification (germline): Uncertain significance (1 of 4 stars; one submission).

Conditions:
Myasthenic syndrome, congenital, 22 (CMS22). Also called: PREPL DEFICIENCY. Identifiers: MedGen C4479088, MONDO:0044299, OMIM 616224.

Allele frequency attached by ClinVar (database versions not stated): gnomAD exomes below 0.00001.
gnomAD v4.1: 2 of 1,612,126 alleles (0.00012%); highest among the groups gnomAD compares: Non-Finnish European, 0.00017%; no homozygotes.

Submission:

Labcorp Genetics (formerly Invitae), Labcorp
Classification: Uncertain significance for Myasthenic syndrome, congenital, 22. Last evaluated: 2018-07-31. Review status: criteria provided, single submitter. Criteria: Invitae Variant Classification Sherloc (09022015). Collection method: clinical testing. Allele origin: germline.
Comment: This sequence change replaces asparagine with tyrosine at codon 29 of the PREPL protein (p.Asn29Tyr). The asparagine residue is moderately conserved and there is a large physicochemical difference between asparagine and tyrosine. This variant is not present in population databases (ExAC no frequency). This variant has not been reported in the literature in individuals with PREPL-related disease. Algorithms developed to predict the effect of missense changes on protein structure and function are either unavailable or do not agree on the potential impact of this missense change (SIFT: "Deleterious"; PolyPhen-2: "Benign"; Align-GVGD: "Class C0"). In summary, the available evidence is currently insufficient to determine the role of this variant in disease. Therefore, it has been classified as a Variant of Uncertain Significance.

NM_001171613.2(PREPL):c.-49+1749A>T

Gene: PREPL (prolyl endopeptidase like; minus strand). Cytogenetic location: 2p21.
Variant type: single nucleotide variant.
Coding change: c.-49+1749A>T on transcript NM_001171613.2 (MANE Select); 1749 bases into the intron after 49 bases upstream of the start codon, A replaced by T.
Molecular consequence: intron variant. On other transcripts: missense variant (7).
Genome position (GRCh38, 1-based): chr2:44,359,631, T>A on the plus strand (A>T on the coding strand, the complement: PREPL is on the minus strand). VCF-style: chr2-44359631-T-A. GRCh37 (hg19) VCF-style: chr2-44586770-T-A.
Other names: c.85A>T, p.Asn29Tyr (NM_001042385.2, NM_001042386.2, NM_001171603.1 and 4 more transcripts); c.-49+1893A>T (NM_001171617.1); c.-49+1786A>T (NM_001374277.1); short protein forms N29Y.
Identifiers: ClinVar variation 643037 (VCV000643037.8), dbSNP rs1211012506, ClinGen allele CA346695019.